The following is an entry in ClinVar:

NM_000160.5(GCGR):c.14A>C (p.Gln5Pro)

Gene: GCGR (glucagon receptor; plus strand). Cytogenetic location: 17q25.3.
Variant type: single nucleotide variant.
Coding change: c.14A>C on transcript NM_000160.5 (MANE Select); coding-DNA position 14, A replaced by C.
Protein change: p.Gln5Pro; replaces glutamine 5 with proline.
Molecular consequence: missense variant.
Genome position (GRCh38, 1-based): chr17:81,809,032, A>C. VCF-style: chr17-81809032-A-C. GRCh37 (hg19) VCF-style: chr17-79766908-A-C.
Other names: short protein forms Q5P.
Identifiers: ClinVar variation 2903688 (VCV002903688.3), dbSNP rs1271734930, ClinGen allele CA401488573.

ClinVar aggregate classification (germline): Uncertain significance (1 of 4 stars; one submission).

Allele frequency attached by ClinVar (database versions not stated): gnomAD exomes below 0.00001; gnomAD 0.00003; TOPMed 0.00003.
gnomAD v4.1: 14 of 1,535,994 alleles (0.00091%); highest among the groups gnomAD compares: Admixed American, 0.012%; no homozygotes.

Submission:

Labcorp Genetics (formerly Invitae), Labcorp
Classification: Uncertain significance. Last evaluated: 2023-02-13. Review status: criteria provided, single submitter. Criteria: Invitae Variant Classification Sherloc (09022015). Collection method: clinical testing. Allele origin: germline.
Comment: Algorithms developed to predict the effect of missense changes on protein structure and function output the following: SIFT: "Tolerated"; PolyPhen-2: "Benign"; Align-GVGD: "Class C0". The proline amino acid residue is found in multiple mammalian species, which suggests that this missense change does not adversely affect protein function. In summary, the available evidence is currently insufficient to determine the role of this variant in disease. Therefore, it has been classified as a Variant of Uncertain Significance. This variant has not been reported in the literature in individuals affected with GCGR-related conditions. This variant is present in population databases (no rsID available, gnomAD 0.008%). This sequence change replaces glutamine, which is neutral and polar, with proline, which is neutral and non-polar, at codon 5 of the GCGR protein (p.Gln5Pro).